The following is an entry in ClinVar:

ClinVar aggregate classification (germline): Pathogenic (1 of 4 stars; one submission).

Conditions:
Cataract 1 multiple types. Also called: CATARACT 1, POSTERIOR SUBCAPSULAR, WITH MICROCORNEA; CATARACT, DUFFY-LINKED; CATARACT 1, MULTIPLE TYPES, WITH OR WITHOUT MICROCORNEA; CATARACT 1, NUCLEAR PROGRESSIVE; CATARACT 1 WITH MICROCORNEA; CATARACT 1, STELLATE NUCLEAR, WITH MICROCORNEA. Identifiers: Orphanet 1377, MedGen C1861828, MONDO:0007285, OMIM 116200.

Submission:

Labcorp Genetics (formerly Invitae), Labcorp
Classification: Pathogenic for Cataract 1 multiple types. Last evaluated: 2025-04-30. Review status: criteria provided, single submitter. Criteria: Invitae Variant Classification Sherloc (09022015). Collection method: clinical testing. Allele origin: germline.
Comment: This sequence change replaces proline, which is neutral and non-polar, with leucine, which is neutral and non-polar, at codon 59 of the GJA8 protein (p.Pro59Leu). This variant is not present in population databases (gnomAD no frequency). This missense change has been observed in individual(s) with autosomal dominant congenital cataract (internal data). It has also been observed to segregate with disease in related individuals. ClinVar contains an entry for this variant (Variation ID: 842078). Invitae Evidence Modeling of protein sequence and biophysical properties (such as structural, functional, and spatial information, amino acid conservation, physicochemical variation, residue mobility, and thermodynamic stability) indicates that this missense variant is expected to disrupt GJA8 protein function with a positive predictive value of 95%. This variant disrupts the p.Pro59 amino acid residue in GJA8. Other variant(s) that disrupt this residue have been observed in individuals with GJA8-related conditions (PMID: 29461512, 34101287), which suggests that this may be a clinically significant amino acid residue. For these reasons, this variant has been classified as Pathogenic.

Literature cited by the submitters: PubMed 29461512; PubMed 34101287.

NM_005267.5(GJA8):c.176C>T (p.Pro59Leu)

Gene: GJA8 (gap junction protein alpha 8; plus strand). Cytogenetic location: 1q21.2.
Variant type: single nucleotide variant.
Coding change: c.176C>T on transcript NM_005267.5 (MANE Select); coding-DNA position 176, C replaced by T.
Protein change: p.Pro59Leu; replaces proline 59 with leucine.
Molecular consequence: missense variant.
Genome position (GRCh38, 1-based): chr1:147,908,131, C>T. VCF-style: chr1-147908131-C-T. GRCh37 (hg19) VCF-style: chr1-147380258-C-T.
Other names: short protein forms P59L.
Identifiers: ClinVar variation 842078 (VCV000842078.9), dbSNP rs1651879427, ClinGen allele CA342223433.